The following is an entry in ClinVar:

NM_004360.5(CDH1):c.598C>A (p.Pro200Thr)

Gene: CDH1 (cadherin 1; plus strand). Cytogenetic location: 16q22.1.
Variant type: single nucleotide variant.
Coding change: c.598C>A on transcript NM_004360.5 (MANE Select); coding-DNA position 598, C replaced by A.
Protein change: p.Pro200Thr; replaces proline 200 with threonine.
Molecular consequence: missense variant. On other transcripts: 5 prime UTR variant (2).
Genome position (GRCh38, 1-based): chr16:68,808,759, C>A. VCF-style: chr16-68808759-C-A. GRCh37 (hg19) VCF-style: chr16-68842662-C-A.
Other names: c.598C>A, p.Pro200Thr (NM_001317184.2); c.-1018C>A (NM_001317185.2); c.-1222C>A (NM_001317186.2); short protein forms P200T.
Identifiers: ClinVar variation 919468 (VCV000919468.14), dbSNP rs1960738612, ClinGen allele CA396457984.
Genomic context (GRCh38, chr16:68,808,759, plus strand): 5'-TCCAACAAAGACAAAGAAGGCAAGGTTTTCTACAGCATCACTGGCCAAGGAGCTGACACA[C>A]CCCCTGTTGGTGTCTTTATTATTGAAAGAGAAACAGGATGGCTGAAGGTGACAGAGCCTC-3'
Protein context (NP_004351.1, residues 190-210): YSITGQGADT[Pro200Thr]PVGVFIIERE

ClinVar aggregate classification (germline): Uncertain significance. Review status: criteria provided, multiple submitters, no conflicts (2 of 4 stars). 3 submissions from 3 submitters: Uncertain significance (3). Last evaluated 2025-04-13.

Conditions:
Hereditary cancer-predisposing syndrome. Also called: Hereditary Cancer Syndrome; Hereditary neoplastic syndrome; Neoplastic Syndromes, Hereditary; Tumor predisposition. Identifiers: Orphanet 140162, MedGen C0027672, MeSH D009386, MONDO:0015356.
Hereditary diffuse gastric adenocarcinoma (HDGC). Also called: DIFFUSE GASTRIC AND LOBULAR BREAST CANCER SYNDROME. Identifiers: Orphanet 26106, MedGen C1708349, MONDO:0007648, OMIM 137215.

Allele frequency attached by ClinVar (database versions not stated): gnomAD exomes below 0.00001.
gnomAD v4.1: 1 of 1,614,048 alleles (0.000062%); highest among the groups gnomAD compares: Non-Finnish European, 0.000085%; no homozygotes.

Submissions (3):

Ambry Genetics
Classification: Uncertain significance for Hereditary cancer-predisposing syndrome. Last evaluated: 2025-04-13. Review status: criteria provided, single submitter. Criteria: Ambry Variant Classification Scheme 2023. Collection method: clinical testing. Allele origin: germline.
Comment: The p.P200T variant (also known as c.598C>A), located in coding exon 5 of the CDH1 gene, results from a C to A substitution at nucleotide position 598. The proline at codon 200 is replaced by threonine, an amino acid with highly similar properties. This amino acid position is well conserved in available vertebrate species. In addition, the in silico prediction for this alteration is inconclusive. Since supporting evidence is limited at this time, the clinical significance of this alteration remains unclear.

Color Diagnostics, LLC DBA Color Health
Classification: Uncertain significance for Hereditary cancer-predisposing syndrome. Last evaluated: 2023-12-05. Review status: criteria provided, single submitter. Criteria: ACMG Guidelines, 2015. Collection method: clinical testing. Allele origin: germline.
Comment: This missense variant replaces proline with threonine at codon 200 of the CDH1 protein. To our knowledge, functional studies have not been reported for this variant. This variant has not been reported in individuals affected with CDH1-related disorders in the literature. This variant has not been identified in the general population by the Genome Aggregation Database (gnomAD). The available evidence is insufficient to determine the role of this variant in disease conclusively. Therefore, this variant is classified as a Variant of Uncertain Significance.

Labcorp Genetics (formerly Invitae), Labcorp
Classification: Uncertain significance for Hereditary diffuse gastric adenocarcinoma. Last evaluated: 2022-05-12. Review status: criteria provided, single submitter. Criteria: Invitae Variant Classification Sherloc (09022015). Collection method: clinical testing. Allele origin: germline.
Comment: In summary, the available evidence is currently insufficient to determine the role of this variant in disease. Therefore, it has been classified as a Variant of Uncertain Significance. Algorithms developed to predict the effect of missense changes on protein structure and function are either unavailable or do not agree on the potential impact of this missense change (SIFT: "Deleterious"; PolyPhen-2: "Probably Damaging"; Align-GVGD: "Class C0"). This sequence change replaces proline, which is neutral and non-polar, with threonine, which is neutral and polar, at codon 200 of the CDH1 protein (p.Pro200Thr). This variant is not present in population databases (gnomAD no frequency). This variant has not been reported in the literature in individuals affected with CDH1-related conditions. ClinVar contains an entry for this variant (Variation ID: 919468).